The following is an entry in ClinVar:

NM_000245.4(MET):c.2896A>G (p.Ser966Gly)

Gene: MET (MET proto-oncogene, receptor tyrosine kinase; plus strand). Cytogenetic location: 7q31.2.
Variant type: single nucleotide variant.
Coding change: c.2896A>G on transcript NM_000245.4 (MANE Select); coding-DNA position 2896, A replaced by G.
Protein change: p.Ser966Gly; replaces serine 966 with glycine.
Molecular consequence: missense variant.
Genome position (GRCh38, 1-based): chr7:116,771,857, A>G. VCF-style: chr7-116771857-A-G. GRCh37 (hg19) VCF-style: chr7-116411911-A-G.
Other names: c.2950A>G, p.Ser984Gly (NM_001127500.3); c.1606A>G, p.Ser536Gly (NM_001324402.2); short protein forms S536G, S984G, S966G.
Identifiers: ClinVar variation 2453395 (VCV002453395.2), dbSNP rs2116995926, ClinGen allele CA368986940.

ClinVar aggregate classification (germline): Uncertain significance (1 of 4 stars; one submission).

Conditions:
Hereditary cancer-predisposing syndrome. Also called: Neoplastic Syndromes, Hereditary; Tumor predisposition; Hereditary neoplastic syndrome; Hereditary Cancer Syndrome. Identifiers: Orphanet 140162, MedGen C0027672, MeSH D009386, MONDO:0015356.

Submission:

Ambry Genetics
Classification: Uncertain significance for Hereditary cancer-predisposing syndrome. Last evaluated: 2022-12-29. Review status: criteria provided, single submitter. Criteria: Ambry Variant Classification Scheme 2023. Collection method: clinical testing. Allele origin: germline.
Comment: The p.S984G variant (also known as c.2950A>G), located in coding exon 13 of the MET gene, results from an A to G substitution at nucleotide position 2950. The serine at codon 984 is replaced by glycine, an amino acid with similar properties. This amino acid position is conserved. In addition, this alteration is predicted to be tolerated by in silico analysis. Since supporting evidence is limited at this time, the clinical significance of this alteration remains unclear.